The following is an entry in ClinVar:

ClinVar aggregate classification (germline): Uncertain significance (1 of 4 stars; one submission).

Allele frequency attached by ClinVar (database versions not stated): TOPMed below 0.00001; ExAC 0.00001; gnomAD 0.00001; gnomAD exomes 0.00001; 1000 Genomes Project 30x 0.00016; 1000 Genomes Project 0.00020.
gnomAD v4.1: 5 of 1,614,070 alleles (0.00031%); highest among the groups gnomAD compares: Admixed American, 0.0017%; no homozygotes.

Submission:

Labcorp Genetics (formerly Invitae), Labcorp
Classification: Uncertain significance. Last evaluated: 2025-05-25. Review status: criteria provided, single submitter. Criteria: Invitae Variant Classification Sherloc (09022015). Collection method: clinical testing. Allele origin: germline.
Comment: This sequence change replaces valine, which is neutral and non-polar, with alanine, which is neutral and non-polar, at codon 60 of the ELOVL4 protein (p.Val60Ala). This variant is present in population databases (rs200070820, gnomAD 0.004%). This variant has not been reported in the literature in individuals affected with ELOVL4-related conditions. ClinVar contains an entry for this variant (Variation ID: 852479). Invitae Evidence Modeling of protein sequence and biophysical properties (such as structural, functional, and spatial information, amino acid conservation, physicochemical variation, residue mobility, and thermodynamic stability) indicates that this missense variant is not expected to disrupt ELOVL4 protein function with a negative predictive value of 80%. In summary, the available evidence is currently insufficient to determine the role of this variant in disease. Therefore, it has been classified as a Variant of Uncertain Significance.

NM_022726.4(ELOVL4):c.179T>C (p.Val60Ala)

Gene: ELOVL4 (ELOVL fatty acid elongase 4; minus strand). Cytogenetic location: 6q14.1.
Variant type: single nucleotide variant.
Coding change: c.179T>C on transcript NM_022726.4 (MANE Select); coding-DNA position 179, T replaced by C.
Protein change: p.Val60Ala; replaces valine 60 with alanine.
Molecular consequence: missense variant.
Genome position (GRCh38, 1-based): chr6:79,926,303, A>G on the plus strand (T>C on the coding strand, the complement: ELOVL4 is on the minus strand). VCF-style: chr6-79926303-A-G. GRCh37 (hg19) VCF-style: chr6-80636020-A-G.
Other names: short protein forms V60A.
Identifiers: ClinVar variation 852479 (VCV000852479.11), dbSNP rs200070820, ClinGen allele CA3901599.